The following is an entry in ClinVar:

ClinVar aggregate classification (germline): Uncertain significance (1 of 4 stars; one submission).

gnomAD v4.1: 1 of 1,614,124 alleles (0.000062%); highest among the groups gnomAD compares: Non-Finnish European, 0.000085%; no homozygotes.

Submission:

GeneDx
Classification: Uncertain significance. Last evaluated: 2025-03-29. Review status: criteria provided, single submitter. Criteria: GeneDx Variant Classification Process June 2021. Collection method: clinical testing. Allele origin: germline. Affected: yes.
Comment: Not observed at significant frequency in large population cohorts (gnomAD); In silico analysis indicates that this missense variant does not alter protein structure/function; Has not been previously published as pathogenic or benign to our knowledge

NM_001130021.3(ATP6V0A1):c.1799A>C (p.His600Pro)

Gene: ATP6V0A1 (ATPase H+ transporting V0 subunit a1; plus strand). Cytogenetic location: 17q21.2.
Variant type: single nucleotide variant.
Coding change: c.1799A>C on transcript NM_001130021.3 (MANE Select); coding-DNA position 1799, A replaced by C.
Protein change: p.His600Pro; replaces histidine 600 with proline.
Molecular consequence: missense variant.
Genome position (GRCh38, 1-based): chr17:42,500,826, A>C. VCF-style: chr17-42500826-A-C. GRCh37 (hg19) VCF-style: chr17-40652844-A-C.
Other names: c.1586A>C, p.His529Pro (NM_001378546.1, NM_001378547.1); c.1553A>C, p.His518Pro (NM_001378548.1); c.1619A>C, p.His540Pro (NM_001378549.1); c.1691A>C, p.His564Pro (NM_001378550.1, NM_001378556.1, NM_001378536.1); c.1922A>C, p.His641Pro (NM_001378551.1, NM_001378552.1, NM_001378530.1 and 1 more transcripts); c.1589A>C, p.His530Pro (NM_001378554.1, NM_001378545.1); c.1799A>C, p.His600Pro (NM_001378557.1, NM_001378535.1, NM_001378537.1 and 3 more transcripts); c.1820A>C, p.His607Pro (NM_001130020.3, NM_001378522.1, NM_001378523.1 and 3 more transcripts); and 3 more; short protein forms H607P, H530P, H540P, H557P, H600P, H518P, H529P, H641P.
Identifiers: ClinVar variation 4088029 (VCV004088029.1).